The following is an entry in ClinVar:

ClinVar aggregate classification (germline): Likely pathogenic (1 of 4 stars; one submission).

Conditions:
Autosomal recessive limb-girdle muscular dystrophy type 2J (LGMDR10). Also called: Limb-girdle muscular dystrophy, type 2J; MUSCULAR DYSTROPHY, LIMB-GIRDLE, AUTOSOMAL RECESSIVE 10. Identifiers: Orphanet 140922, MedGen C1837342, MONDO:0012127, OMIM 608807.
Dilated cardiomyopathy 1G (CMD1G). Identifiers: Orphanet 154, MedGen C1858763, MONDO:0011400, OMIM 604145.

Submission:

Labcorp Genetics (formerly Invitae), Labcorp
Classification: Likely pathogenic for Dilated cardiomyopathy 1G; Autosomal recessive limb-girdle muscular dystrophy type 2J. Last evaluated: 2024-10-18. Review status: criteria provided, single submitter. Criteria: Invitae Variant Classification Sherloc (09022015). Collection method: clinical testing. Allele origin: germline.
Comment: This sequence change affects a donor splice site in intron 248 of the TTN gene. It is expected to disrupt RNA splicing and likely results in a truncated or disrupted TTN protein. This variant is not present in population databases (gnomAD no frequency). This variant has not been reported in the literature in individuals affected with TTN-related conditions. ClinVar contains an entry for this variant (Variation ID: 2020804). Algorithms developed to predict the effect of sequence changes on RNA splicing suggest that this variant may disrupt the consensus splice site. This variant is located in the I band of TTN (PMID: 25589632). Truncating variants in this region have been reported in individuals affected with autosomal recessive centronuclear myopathy (PMID: 23975875, internal data). Truncating variants in this region have also been identified in individuals affected with autosomal dominant dilated cardiomyopathy and/or cardio-related conditions (PMID: 27869827, 32964742, internal data). In summary, the currently available evidence indicates that the variant is pathogenic, but additional data are needed to prove that conclusively. Therefore, this variant has been classified as Likely Pathogenic.

Literature cited by the submitters: PubMed 25589632; PubMed 23975875; PubMed 27869827; PubMed 32964742.

NM_001267550.2(TTN):c.46304+1G>T

Genes: TTN (titin; minus strand), TTN-AS1 (TTN antisense RNA 1; plus strand). Cytogenetic location: 2q31.2.
Variant type: single nucleotide variant.
Coding change: c.46304+1G>T on transcript NM_001267550.2 (MANE Select); the canonical splice donor site of the intron after coding-DNA position 46304, G replaced by T.
Molecular consequence: splice donor variant. On other transcripts: non-coding transcript variant (1).
Genome position (GRCh38, 1-based): chr2:178,620,216, C>A on the plus strand (G>T on the coding strand, the complement: TTN is on the minus strand). VCF-style: chr2-178620216-C-A. GRCh37 (hg19) VCF-style: chr2-179484943-C-A.
Other names: c.19109+1G>T (NM_003319.4); c.19685+1G>T (NM_133437.4); c.19484+1G>T (NM_133432.3); c.38600+1G>T (NM_133378.4); c.41381+1G>T (NM_001256850.1).
Identifiers: ClinVar variation 2020804 (VCV002020804.4), dbSNP rs2470992924, ClinGen allele CA349627772.